The following is an entry in ClinVar:

NM_001378454.1(ALMS1):c.203T>C (p.Ile68Thr)

Gene: ALMS1 (ALMS1 centrosome and basal body associated protein; plus strand). Cytogenetic location: 2p13.1.
Variant type: single nucleotide variant.
Coding change: c.203T>C on transcript NM_001378454.1 (MANE Select); coding-DNA position 203, T replaced by C.
Protein change: p.Ile68Thr; replaces isoleucine 68 with threonine.
Molecular consequence: missense variant.
Genome position (GRCh38, 1-based): chr2:73,386,071, T>C. VCF-style: chr2-73386071-T-C. GRCh37 (hg19) VCF-style: chr2-73613199-T-C.
Other names: c.206T>C, p.Ile69Thr (NM_015120.4); short protein forms I68T, I69T.
Identifiers: ClinVar variation 1483251 (VCV001483251.5), dbSNP rs765378599, ClinGen allele CA1712766.

ClinVar aggregate classification (germline): Uncertain significance (1 of 4 stars; one submission).

Conditions:
Alstrom syndrome (ALMS). Identifiers: Orphanet 64, MedGen C0268425, MONDO:0008763, OMIM 203800.

Allele frequency attached by ClinVar (database versions not stated): TOPMed below 0.00001; ExAC 0.00006.

Submission:

Labcorp Genetics (formerly Invitae), Labcorp
Classification: Uncertain significance for Alstrom syndrome. Last evaluated: 2024-08-05. Review status: criteria provided, single submitter. Criteria: Invitae Variant Classification Sherloc (09022015). Collection method: clinical testing. Allele origin: germline.
Comment: This sequence change replaces isoleucine, which is neutral and non-polar, with threonine, which is neutral and polar, at codon 69 of the ALMS1 protein (p.Ile69Thr). The frequency data for this variant in the population databases is considered unreliable, as metrics indicate poor data quality at this position in the gnomAD database. This variant has not been reported in the literature in individuals affected with ALMS1-related conditions. ClinVar contains an entry for this variant (Variation ID: 1483251). An algorithm developed to predict the effect of missense changes on protein structure and function outputs the following: PolyPhen-2: "Not Available". The threonine amino acid residue is found in multiple mammalian species, which suggests that this missense change does not adversely affect protein function. In summary, the available evidence is currently insufficient to determine the role of this variant in disease. Therefore, it has been classified as a Variant of Uncertain Significance.